The following is an entry in ClinVar:

ClinVar aggregate classification (germline): Likely benign. Review status: criteria provided, multiple submitters, no conflicts (2 of 4 stars). 2 submissions from 2 submitters: Likely benign (2). Last evaluated 2023-08-07.

Conditions:
POLD1-related polyposis and colorectal cancer syndrome (CRCS10). Also called: Colorectal cancer, susceptibility to, 10; Colorectal cancer 10; COLORECTAL CANCER, SUSCEPTIBILITY TO, ON CHROMOSOME 19q. Identifiers: Orphanet 220460, MedGen C2675481, MONDO:0012953, OMIM 612591.

Submissions (2):

Labcorp Genetics (formerly Invitae), Labcorp
Classification: Likely benign for POLD1-related polyposis and colorectal cancer syndrome. Last evaluated: 2023-08-07. Review status: criteria provided, single submitter. Criteria: Invitae Variant Classification Sherloc (09022015). Collection method: clinical testing. Allele origin: germline.

GeneDx
Classification: Likely benign. Last evaluated: 2015-11-24. Review status: criteria provided, single submitter. Criteria: GeneDx Variant Classification (06012015). Collection method: clinical testing. Allele origin: germline. Affected: yes.
Comment: This variant is considered likely benign or benign based on one or more of the following criteria: it is a conservative change, it occurs at a poorly conserved position in the protein, it is predicted to be benign by multiple in silico algorithms, and/or has population frequency not consistent with disease.

NM_002691.4(POLD1):c.1775+10C>G

Gene: POLD1 (DNA polymerase delta 1, catalytic subunit; plus strand). Cytogenetic location: 19q13.33.
Variant type: single nucleotide variant.
Coding change: c.1775+10C>G on transcript NM_002691.4 (MANE Select); 10 bases into the intron after coding-DNA position 1775, C replaced by G.
Molecular consequence: intron variant.
Genome position (GRCh38, 1-based): chr19:50,407,425, C>G. VCF-style: chr19-50407425-C-G. GRCh37 (hg19) VCF-style: chr19-50910682-C-G.
Other names: c.1775+10C>G (LRG_785t2, LRG_785t1, NM_001256849.1 and 1 more transcripts).
Identifiers: ClinVar variation 381838 (VCV000381838.4), dbSNP rs1057521186, ClinGen allele CA16609019.